The following is an entry in ClinVar:

ClinVar aggregate classification (germline): Uncertain significance. Review status: criteria provided, multiple submitters, no conflicts (2 of 4 stars). 2 submissions from 2 submitters: Uncertain significance (2). Last evaluated 2025-06-17.

Conditions:
Cataract 5 multiple types (CTRCT5). Also called: CATARACT 5, LAMELLAR; CATARACT, MARNER TYPE; Lamellar cataract. Identifiers: Orphanet 91492, MedGen C0266537, MONDO:0007290, OMIM 116800, HP:0007971.

gnomAD v4.1: 2 of 1,610,186 alleles (0.00012%); highest among the groups gnomAD compares: Non-Finnish European, 0.00017%; no homozygotes.

Submissions (2):

Labcorp Genetics (formerly Invitae), Labcorp
Classification: Uncertain significance for Cataract 5 multiple types. Last evaluated: 2025-06-17. Review status: criteria provided, single submitter. Criteria: Invitae Variant Classification Sherloc (09022015). Collection method: clinical testing. Allele origin: germline.
Comment: This sequence change replaces histidine, which is basic and polar, with leucine, which is neutral and non-polar, at codon 98 of the HSF4 protein (p.His98Leu). This variant is not present in population databases (gnomAD no frequency). This variant has not been reported in the literature in individuals affected with HSF4-related conditions. ClinVar contains an entry for this variant (Variation ID: 1012401). Invitae Evidence Modeling of protein sequence and biophysical properties (such as structural, functional, and spatial information, amino acid conservation, physicochemical variation, residue mobility, and thermodynamic stability) indicates that this missense variant is not expected to disrupt HSF4 protein function with a negative predictive value of 80%. In summary, the available evidence is currently insufficient to determine the role of this variant in disease. Therefore, it has been classified as a Variant of Uncertain Significance.

CeGaT Center for Human Genetics Tuebingen
Classification: Uncertain significance. Last evaluated: 2021-11-01. Review status: criteria provided, single submitter. Criteria: CeGaT Center For Human Genetics Tuebingen Variant Classification Criteria Version 2. Collection method: clinical testing. Allele origin: germline. Affected: yes. Observed: 2 variant alleles.

NM_001374675.1(HSF4):c.293A>T (p.His98Leu)

Gene: HSF4 (heat shock transcription factor 4; plus strand). Cytogenetic location: 16q22.1.
Variant type: single nucleotide variant.
Coding change: c.293A>T on transcript NM_001374675.1 (MANE Select); coding-DNA position 293, A replaced by T.
Protein change: p.His98Leu; replaces histidine 98 with leucine.
Molecular consequence: missense variant.
Genome position (GRCh38, 1-based): chr16:67,165,779, A>T. VCF-style: chr16-67165779-A-T. GRCh37 (hg19) VCF-style: chr16-67199682-A-T.
Other names: c.293A>T, p.His98Leu (NM_001040667.3, NM_001374674.1, NM_001538.4); short protein forms H98L.
Identifiers: ClinVar variation 1012401 (VCV001012401.39), dbSNP rs1264444474, ClinGen allele CA396263951.